The following is an entry in ClinVar:

ClinVar aggregate classification (germline): Uncertain significance (1 of 4 stars; one submission).

Conditions:
Inborn genetic diseases. Identifiers: MedGen C0950123, MeSH D030342.

Submission:

Ambry Genetics
Classification: Uncertain significance for Inborn genetic diseases. Last evaluated: 2026-03-10. Review status: criteria provided, single submitter. Criteria: Ambry Variant Classification Scheme 2023. Collection method: clinical testing. Allele origin: germline.
Comment: The p.I249S variant (also known as c.746T>G), located in coding exon 6 of the PAX5 gene, results from a T to G substitution at nucleotide position 746. The isoleucine at codon 249 is replaced by serine, an amino acid with dissimilar properties. This amino acid position is conserved. In addition, this alteration is predicted to be deleterious by in silico analysis. Based on the available evidence, the clinical significance of this variant remains unclear.

NM_016734.3(PAX5):c.746T>G (p.Ile249Ser)

Gene: PAX5 (paired box 5; minus strand). Cytogenetic location: 9p13.2.
Variant type: single nucleotide variant.
Coding change: c.746T>G on transcript NM_016734.3 (MANE Select); coding-DNA position 746, T replaced by G.
Protein change: p.Ile249Ser; replaces isoleucine 249 with serine.
Molecular consequence: missense variant. On other transcripts: non-coding transcript variant (2).
Genome position (GRCh38, 1-based): chr9:36,966,583, A>C on the plus strand (T>G on the coding strand, the complement: PAX5 is on the minus strand). VCF-style: chr9-36966583-A-C. GRCh37 (hg19) VCF-style: chr9-36966580-A-C.
Other names: c.746T>G, p.Ile249Ser (NM_001280547.2, NM_001280548.2, NM_001280549.2 and 2 more transcripts); c.422T>G, p.Ile141Ser (NM_001280551.2, NM_001280556.2); c.617T>G, p.Ile206Ser (NM_001280553.2, NM_001280554.2); c.548T>G, p.Ile183Ser (NM_001280555.2); short protein forms I141S, I183S, I206S, I249S.
Identifiers: ClinVar variation 4827572 (VCV004827572.1).